The following is an entry in ClinVar:

ClinVar aggregate classification (germline): Pathogenic. Review status: criteria provided, single submitter (1 of 4 stars). 2 submissions from 2 submitters: Pathogenic (1). 1 of the submissions does not count toward it. Last evaluated 2017-09-14.

Conditions:
Coffin-Siris syndrome 7. Identifiers: MedGen C4747954, MONDO:0054831, OMIM 618027.
Coffin-Siris syndrome 1 (CSS1). Also called: Mental retardation, autosomal dominant 12; ARID1B-Related Coffin-Siris Syndrome. Identifiers: Orphanet 1465, MedGen C3281201, MONDO:0007617, OMIM 135900. Disease mechanism: gain of function.

Submissions (2):

Institute of Human Genetics, FAU Erlangen, Friedrich-Alexander-Universität Erlangen-Nürnberg
Classification: Pathogenic for Coffin-Siris syndrome 1. Last evaluated: 2017-09-14. Review status: criteria provided, single submitter. Criteria: ACMG Guidelines, 2015. Collection method: research. Allele origin: de novo. Inheritance: Sporadic. Affected: yes. Observed: 1 variant allele, 1 heterozygote.

OMIM
Classification: Pathogenic for COFFIN-SIRIS SYNDROME 7. Last evaluated: 2018-06-28. Review status: no assertion criteria provided. Collection method: literature only. Allele origin: germline. Not counted in ClinVar's aggregate classification.

Literature cited by the submitters: PubMed 29429572 (cited by Institute of Human Genetics, FAU Erlangen, Friedrich-Alexander-Universität Erlangen-Nürnberg and OMIM).

NM_006268.5(DPF2):c.827G>T (p.Cys276Phe)

Gene: DPF2 (double PHD fingers 2; plus strand). Cytogenetic location: 11q13.1.
Variant type: single nucleotide variant.
Coding change: c.827G>T on transcript NM_006268.5 (MANE Select); coding-DNA position 827, G replaced by T.
Protein change: p.Cys276Phe; replaces cysteine 276 with phenylalanine.
Molecular consequence: missense variant.
Genome position (GRCh38, 1-based): chr11:65,345,981, G>T. VCF-style: chr11-65345981-G-T. GRCh37 (hg19) VCF-style: chr11-65113452-G-T.
Other names: c.869G>T, p.Cys290Phe (NM_001330308.2); short protein forms C276F, C290F.
Identifiers: ClinVar variation 438643 (VCV000438643.3), dbSNP rs1555031372, ClinGen allele CA381254260.